The following is an entry in ClinVar:

ClinVar aggregate classification (germline): Likely pathogenic (1 of 4 stars; one submission).

Conditions:
Mucopolysaccharidosis type 1. Also called: Mucopolysaccharidosis Type I; IDUA deficiency; MPS I. Identifiers: Orphanet 579, MedGen C0023786, MONDO:0001586.

Submission:

Labcorp Genetics (formerly Invitae), Labcorp
Classification: Likely pathogenic for Mucopolysaccharidosis type 1. Last evaluated: 2022-03-10. Review status: criteria provided, single submitter. Criteria: Invitae Variant Classification Sherloc (09022015). Collection method: clinical testing. Allele origin: germline.
Comment: In summary, the currently available evidence indicates that the variant is pathogenic, but additional data are needed to prove that conclusively. Therefore, this variant has been classified as Likely Pathogenic. Algorithms developed to predict the effect of sequence changes on RNA splicing suggest that this variant may disrupt the consensus splice site. Disruption of this splice site has been observed in individual(s) with mucopolysaccharidosis type I (PMID: 24798265). This variant is not present in population databases (gnomAD no frequency). This sequence change affects an acceptor splice site in intron 10 of the IDUA gene. It is expected to disrupt RNA splicing. Variants that disrupt the donor or acceptor splice site typically lead to a loss of protein function (PMID: 16199547), and loss-of-function variants in IDUA are known to be pathogenic (PMID: 11735025, 21480867).

Literature cited by the submitters: PubMed 24798265; PubMed 16199547; PubMed 11735025; PubMed 21480867.

NM_000203.5(IDUA):c.1525-1G>A

Gene: IDUA (alpha-L-iduronidase; plus strand). Cytogenetic location: 4p16.3.
Variant type: single nucleotide variant.
Coding change: c.1525-1G>A on transcript NM_000203.5 (MANE Select); the canonical splice acceptor site of the intron before coding-DNA position 1525, G replaced by A.
Molecular consequence: splice acceptor variant.
Genome position (GRCh38, 1-based): chr4:1,003,344, G>A. VCF-style: chr4-1003344-G-A. GRCh37 (hg19) VCF-style: chr4-997132-G-A.
Other names: c.1129-1G>A (NM_001363576.1).
Identifiers: ClinVar variation 2106144 (VCV002106144.4), dbSNP rs2534097045, ClinGen allele CA355964862.